The following is an entry in ClinVar:

NM_001457.4(FLNB):c.4585T>C (p.Ser1529Pro)

Gene: FLNB (filamin B; plus strand). Cytogenetic location: 3p14.3.
Variant type: single nucleotide variant.
Coding change: c.4585T>C on transcript NM_001457.4 (MANE Select); coding-DNA position 4585, T replaced by C.
Protein change: p.Ser1529Pro; replaces serine 1529 with proline.
Molecular consequence: missense variant.
Genome position (GRCh38, 1-based): chr3:58,134,686, T>C. VCF-style: chr3-58134686-T-C. GRCh37 (hg19) VCF-style: chr3-58120413-T-C.
Other names: c.4678T>C, p.Ser1560Pro (NM_001164317.2); c.4585T>C, p.Ser1529Pro (NM_001164318.2, NM_001164319.2); short protein forms S1529P, S1560P.
Identifiers: ClinVar variation 1030456 (VCV001030456.1), dbSNP rs770433500, ClinGen allele CA75458469.

ClinVar aggregate classification (germline): Uncertain significance (1 of 4 stars; one submission).

Conditions:
Atelosteogenesis type I. Also called: SPONDYLOHUMEROFEMORAL HYPOPLASIA; Atelosteogenesis Type 1 (FLNB-AO1); GIANT CELL CHONDRODYSPLASIA. Identifiers: Orphanet 1190, MedGen C0265283, MONDO:0007167, OMIM 108720.

Allele frequency attached by ClinVar (database versions not stated): gnomAD exomes 0.00002.
gnomAD v4.1: 28 of 1,614,160 alleles (0.0017%); highest among the groups gnomAD compares: Non-Finnish European, 0.0024%; no homozygotes.

Submission:

Baylor Genetics
Classification: Uncertain significance for Atelosteogenesis type I. Last evaluated: 2020-03-11. Review status: criteria provided, single submitter. Criteria: ACMG Guidelines, 2015. Collection method: clinical testing. Allele origin: unknown. Affected: yes.
Comment: This variant was determined to be of uncertain significance according to ACMG Guidelines, 2015 [PMID:25741868].